The following is an entry in ClinVar:

ClinVar aggregate classification (germline): Uncertain significance. Review status: criteria provided, multiple submitters, no conflicts (2 of 4 stars). 2 submissions from 2 submitters: Uncertain significance (2). Last evaluated 2025-01-09.

Conditions:
Inborn genetic diseases. Identifiers: MedGen C0950123, MeSH D030342.

Allele frequency attached by ClinVar (database versions not stated): TOPMed 0.00001; gnomAD exomes 0.00005; ExAC 0.00006.
gnomAD v4.1: 66 of 1,614,128 alleles (0.0041%); highest among the groups gnomAD compares: South Asian, 0.07%; no homozygotes.

Submissions (2):

Labcorp Genetics (formerly Invitae), Labcorp
Classification: Uncertain significance. Last evaluated: 2025-01-09. Review status: criteria provided, single submitter. Criteria: Invitae Variant Classification Sherloc (09022015). Collection method: clinical testing. Allele origin: germline.
Comment: This sequence change replaces aspartic acid, which is acidic and polar, with glycine, which is neutral and non-polar, at codon 1130 of the LRP6 protein (p.Asp1130Gly). This variant is present in population databases (rs780091570, gnomAD 0.07%), and has an allele count higher than expected for a pathogenic variant. This variant has not been reported in the literature in individuals affected with LRP6-related conditions. ClinVar contains an entry for this variant (Variation ID: 1984547). Invitae Evidence Modeling of protein sequence and biophysical properties (such as structural, functional, and spatial information, amino acid conservation, physicochemical variation, residue mobility, and thermodynamic stability) indicates that this missense variant is not expected to disrupt LRP6 protein function with a negative predictive value of 80%. In summary, the available evidence is currently insufficient to determine the role of this variant in disease. Therefore, it has been classified as a Variant of Uncertain Significance.

Ambry Genetics
Classification: Uncertain significance for Inborn genetic diseases. Last evaluated: 2023-07-19. Review status: criteria provided, single submitter. Criteria: Ambry Variant Classification Scheme 2023. Collection method: clinical testing. Allele origin: germline.

NM_002336.3(LRP6):c.3389A>G (p.Asp1130Gly)

Gene: LRP6 (LDL receptor related protein 6; minus strand). Cytogenetic location: 12p13.2.
Variant type: single nucleotide variant.
Coding change: c.3389A>G on transcript NM_002336.3 (MANE Select); coding-DNA position 3389, A replaced by G.
Protein change: p.Asp1130Gly; replaces aspartic acid 1130 with glycine.
Molecular consequence: missense variant.
Genome position (GRCh38, 1-based): chr12:12,147,374, T>C on the plus strand (A>G on the coding strand, the complement: LRP6 is on the minus strand). VCF-style: chr12-12147374-T-C. GRCh37 (hg19) VCF-style: chr12-12300308-T-C.
Other names: c.3389A>G, p.Asp1130Gly (NM_001414244.1, NM_001414245.1, NM_001414246.1 and 4 more transcripts); c.3191A>G, p.Asp1064Gly (NM_001414247.1); c.2936A>G, p.Asp979Gly (NM_001414252.1, NM_001414253.1, NM_001414254.1); c.2882A>G, p.Asp961Gly (NM_001414255.1); c.3389A>G (NM_002336.2); short protein forms D961G, D1130G, D979G, D1064G.
Identifiers: ClinVar variation 1984547 (VCV001984547.6), dbSNP rs780091570, ClinGen allele CA6455259.